The following is an entry in ClinVar:

NM_001042492.3(NF1):c.4495delinsTG (p.Ile1499fs)

Gene: NF1 (neurofibromin 1; plus strand). Cytogenetic location: 17q11.2.
Variant type: Indel.
Coding change: c.4495delinsTG on transcript NM_001042492.3 (MANE Select); coding-DNA position 4495, A replaced by TG.
Protein change: p.Ile1499fs; shifts the reading frame from isoleucine 1499.
Molecular consequence: frameshift variant.
Genome position (GRCh38, 1-based): chr17:31,260,433, A replaced by TG. VCF-style: chr17-31260433-A-TG. GRCh37 (hg19) VCF-style: chr17-29587451-A-TG.
Other names: c.4432delAinsTG, p.Ile1478Cysfs (NM_000267.4); short protein forms I1478fs, I1499fs.
Identifiers: ClinVar variation 658301 (VCV000658301.5), dbSNP rs1597747012, ClinGen allele CA915949654.

ClinVar aggregate classification (germline): Pathogenic (1 of 4 stars; one submission).

Conditions:
Neurofibromatosis, type 1 (NF1). Also called: VON RECKLINGHAUSEN DISEASE; NEUROFIBROMATOSIS, TYPE I, SOMATIC; Peripheral type neurofibromatosis; Neurofibromatosis, type I. Identifiers: Orphanet 636, MedGen C0027831, MONDO:0018975, OMIM 162200. Disease mechanism: loss of function.

Submission:

Labcorp Genetics (formerly Invitae), Labcorp
Classification: Pathogenic for Neurofibromatosis, type 1. Last evaluated: 2018-08-21. Review status: criteria provided, single submitter. Criteria: Invitae Variant Classification Sherloc (09022015). Collection method: clinical testing. Allele origin: germline.
Comment: For these reasons, this variant has been classified as Pathogenic. Loss-of-function variants in NF1 are known to be pathogenic (PMID: 10712197, 23913538). This variant has not been reported in the literature in individuals with NF1-related disease. This variant is not present in population databases (ExAC no frequency). This sequence change creates a premature translational stop signal (p.Ile1478Cysfs*3) in the NF1 gene. It is expected to result in an absent or disrupted protein product.

Literature cited by the submitters: PubMed 10712197; PubMed 23913538.